The following is an entry in ClinVar:

NM_207346.3(TSEN54):c.56+2T>A

Genes: TSEN54 (tRNA splicing endonuclease subunit 54; plus strand), LOC112533671 (Sharpr-MPRA regulatory region 12010; plus strand). Cytogenetic location: 17q25.1.
Variant type: single nucleotide variant.
Coding change: c.56+2T>A on transcript NM_207346.3 (MANE Select); the canonical splice donor site of the intron after coding-DNA position 56, T replaced by A.
Molecular consequence: splice donor variant.
Genome position (GRCh38, 1-based): chr17:75,516,618, T>A. VCF-style: chr17-75516618-T-A. GRCh37 (hg19) VCF-style: chr17-73512699-T-A.
Identifiers: ClinVar variation 2957488 (VCV002957488.3), dbSNP rs937164753, ClinGen allele CA294075439.

ClinVar aggregate classification (germline): Likely pathogenic (1 of 4 stars; one submission).

Allele frequency attached by ClinVar (database versions not stated): gnomAD 0.00001.

Submission:

Labcorp Genetics (formerly Invitae), Labcorp
Classification: Likely pathogenic. Last evaluated: 2023-08-29. Review status: criteria provided, single submitter. Criteria: Invitae Variant Classification Sherloc (09022015). Collection method: clinical testing. Allele origin: germline.
Comment: This variant is present in population databases (no rsID available, gnomAD 0.007%). This sequence change affects a donor splice site in intron 1 of the TSEN54 gene. It is expected to disrupt RNA splicing. Variants that disrupt the donor or acceptor splice site typically lead to a loss of protein function (PMID: 16199547), and loss-of-function variants in TSEN54 are known to be pathogenic (PMID: 18711368, 20952379). This variant has not been reported in the literature in individuals affected with TSEN54-related conditions. Algorithms developed to predict the effect of sequence changes on RNA splicing suggest that this variant may disrupt the consensus splice site. In summary, the currently available evidence indicates that the variant is pathogenic, but additional data are needed to prove that conclusively. Therefore, this variant has been classified as Likely Pathogenic.

Literature cited by the submitters: PubMed 16199547; PubMed 18711368; PubMed 20952379.